The following is an entry in ClinVar:

ClinVar aggregate classification (germline): Uncertain significance (1 of 4 stars; one submission).

Conditions:
Histiocytic medullary reticulosis. Also called: SEVERE COMBINED IMMUNODEFICIENCY WITH HYPEREOSINOPHILIA; Omenn syndrome. Identifiers: Orphanet 39041, MedGen C2700553, MONDO:0011338, OMIM 603554.

Submission:

Baylor Genetics
Classification: Uncertain significance for Histiocytic medullary reticulosis. Last evaluated: 2019-08-13. Review status: criteria provided, single submitter. Criteria: ACMG Guidelines, 2015. Collection method: clinical testing. Allele origin: unknown. Affected: yes.
Comment: This variant was determined to be of uncertain significance according to ACMG Guidelines, 2015 [PMID:25741868].

NM_000448.3(RAG1):c.365A>T (p.Glu122Val)

Gene: RAG1 (recombination activating 1; plus strand). Cytogenetic location: 11p12.
Variant type: single nucleotide variant.
Coding change: c.365A>T on transcript NM_000448.3 (MANE Select); coding-DNA position 365, A replaced by T.
Protein change: p.Glu122Val; replaces glutamic acid 122 with valine.
Molecular consequence: missense variant.
Genome position (GRCh38, 1-based): chr11:36,573,669, A>T. VCF-style: chr11-36573669-A-T. GRCh37 (hg19) VCF-style: chr11-36595219-A-T.
Other names: c.365A>T, p.Glu122Val (NM_001377278.1, NM_001377279.1, NM_001377280.1 and 1 more transcripts); short protein forms E122V.
Identifiers: ClinVar variation 1030806 (VCV001030806.1), dbSNP rs1266530796, ClinGen allele CA380146394.